The following is an entry in ClinVar:

NM_001267550.2(TTN):c.87997A>G (p.Ile29333Val)

Genes: TTN (titin; minus strand), TTN-AS1 (TTN antisense RNA 1; plus strand). Cytogenetic location: 2q31.2.
Variant type: single nucleotide variant.
Coding change: c.87997A>G on transcript NM_001267550.2 (MANE Select); coding-DNA position 87997, A replaced by G.
Protein change: p.Ile29333Val; replaces isoleucine 29333 with valine.
Molecular consequence: missense variant.
Genome position (GRCh38, 1-based): chr2:178,557,265, T>C on the plus strand (A>G on the coding strand, the complement: TTN is on the minus strand). VCF-style: chr2-178557265-T-C. GRCh37 (hg19) VCF-style: chr2-179421992-T-C.
Other names: c.83074A>G, p.Ile27692Val (NM_001256850.1); c.60802A>G, p.Ile20268Val (NM_003319.4); c.80293A>G, p.Ile26765Val (NM_133378.4); c.61177A>G, p.Ile20393Val (NM_133432.3); c.61378A>G, p.Ile20460Val (NM_133437.4); short protein forms I20268V, I20393V, I20460V, I26765V, I27692V, I29333V.
Identifiers: ClinVar variation 2682238 (VCV002682238.3), dbSNP rs1701876010, ClinGen allele CA349532503.
Genomic context (GRCh38, chr2:178,557,265, plus strand): 5'-ATTTGCATTTTTGTTATCAGAACTGCCCTTCCCATGACAAATACGTACCACAAGCATCAA[T>C]TGCCAAGACTGGTTCAGAAGGATGGCTAGGTTTTCCAACTCCAGCAGCATTTTCTGCATA-3'
Protein context (NP_001254479.2, residues 29323-29343): PSHPSEPVLA[Ile29333Val]DACEPPRNVR

ClinVar aggregate classification (germline): Conflicting classifications of pathogenicity. Review status: criteria provided, conflicting classifications (1 of 4 stars). 3 submissions from 3 submitters: Uncertain significance (2); Likely benign (1). Last evaluated 2025-07-24.

Conditions:
TTN-related disorder. Also called: TTN-related disorders; TTN-related condition; TTN-related disease.

Allele frequency attached by ClinVar (database versions not stated): gnomAD exomes below 0.00001.
gnomAD v4.1: 7 of 1,613,874 alleles (0.00043%); highest among the groups gnomAD compares: Non-Finnish European, 0.00051%; no homozygotes.

Submissions (3):

Molecular Diagnostic Laboratory for Inherited Cardiovascular Disease, Montreal Heart Institute
Classification: Likely benign. Last evaluated: 2025-07-24. Review status: criteria provided, single submitter. Criteria: ACMG Guidelines, 2015. Collection method: clinical testing. Allele origin: germline. Affected: no.
Comment: BP1

PreventionGenetics, part of Exact Sciences
Classification: Uncertain significance for TTN-related condition. Last evaluated: 2025-01-03. Review status: criteria provided, single submitter. Criteria: ACMG Guidelines, 2015. Collection method: clinical testing. Allele origin: germline.
Comment: The TTN c.87997A>G variant is predicted to result in the amino acid substitution p.Ile29333Val. To our knowledge, this variant has not been reported in the literature or in a large population database (gnomAD), indicating this variant is rare. At this time, the clinical significance of this variant is uncertain due to the absence of conclusive functional and genetic evidence.

Women's Health and Genetics/Laboratory Corporation of America, LabCorp
Classification: Uncertain significance. Last evaluated: 2023-11-21. Review status: criteria provided, single submitter. Criteria: LabCorp Variant Classification Summary - May 2015. Collection method: clinical testing. Allele origin: germline.
Comment: Variant summary: TTN c.80293A>G (p.Ile26765Val) results in a conservative amino acid change located in the A-band region of the encoded protein sequence. Two of three in-silico tools predict a benign effect of the variant on protein function. The variant was absent in 248344 control chromosomes. The available data on variant occurrences in the general population are insufficient to allow any conclusion about variant significance. To our knowledge, no occurrence of c.80293A>G in individuals affected with Limb-Girdle Muscular Dystrophy, Type 2J/Autosomal Recessive Titinopathy/Dilated Cardiomyopathy and no experimental evidence demonstrating its impact on protein function have been reported. No submitters have cited clinical-significance assessments for this variant to ClinVar after 2014. Based on the evidence outlined above, the variant was classified as uncertain significance.